The following is an entry in ClinVar:

ClinVar aggregate classification (germline): Uncertain significance. Review status: criteria provided, multiple submitters, no conflicts (2 of 4 stars). 3 submissions from 3 submitters: Uncertain significance (3). Last evaluated 2026-03-18.

Conditions:
Hereditary cancer-predisposing syndrome. Also called: Tumor predisposition; Neoplastic Syndromes, Hereditary; Hereditary Cancer Syndrome; Hereditary neoplastic syndrome. Identifiers: Orphanet 140162, MedGen C0027672, MeSH D009386, MONDO:0015356.
Hereditary breast ovarian cancer syndrome. Also called: Hereditary breast and ovarian cancer; Breast and ovarian cancer; Hereditary breast and/or ovarian cancer syndrome; Hereditary breast and ovarian cancer syndrome; Hereditary breast and ovarian cancer syndrome (HBOC); BRCA1- and BRCA2-Associated Hereditary Breast and Ovarian Cancer. Identifiers: Orphanet 145, MedGen C0677776, MeSH D061325, MONDO:0003582. Disease mechanism: loss of function.

Submissions (3):

Ambry Genetics
Classification: Uncertain significance for Hereditary cancer-predisposing syndrome. Last evaluated: 2026-03-18. Review status: criteria provided, single submitter. Criteria: Ambry Variant Classification Scheme 2023. Collection method: clinical testing. Allele origin: germline.
Comment: The p.L2865S variant (also known as c.8594T>C), located in coding exon 19 of the BRCA2 gene, results from a T to C substitution at nucleotide position 8594. The leucine at codon 2865 is replaced by serine, an amino acid with dissimilar properties. This amino acid position is highly conserved in available vertebrate species. In addition, this alteration is predicted to be deleterious by in silico analysis. Based on the available evidence, the clinical significance of this variant remains unclear.

Color Diagnostics, LLC DBA Color Health
Classification: Uncertain significance for Hereditary cancer-predisposing syndrome. Last evaluated: 2025-02-24. Review status: criteria provided, single submitter. Criteria: ACMG Guidelines, 2015. Collection method: clinical testing. Allele origin: germline.
Comment: This missense variant replaces leucine with serine at codon 2865 of the BRCA2 protein. Computational prediction suggests that this variant may have deleterious impact on protein structure and function. Functional studies have reported conflicting outcomes for this variant protein as strongly benign (PMID: 39779857) and likely deleterious (PMID: 39779848) in cell growth and/or cisplatin and PARP inhibitor sensitivity assays. To our knowledge, this variant has not been reported in individuals affected with BRCA2-related disorders in the literature. This variant has not been identified in the general population by the Genome Aggregation Database (gnomAD). The available evidence is insufficient to determine the role of this variant in disease conclusively. Therefore, this variant is classified as a Variant of Uncertain Significance.

Labcorp Genetics (formerly Invitae), Labcorp
Classification: Uncertain significance for Hereditary breast ovarian cancer syndrome. Last evaluated: 2024-04-22. Review status: criteria provided, single submitter. Criteria: Invitae Variant Classification Sherloc (09022015). Collection method: clinical testing. Allele origin: germline.
Comment: This sequence change replaces leucine, which is neutral and non-polar, with serine, which is neutral and polar, at codon 2865 of the BRCA2 protein (p.Leu2865Ser). This variant is not present in population databases (gnomAD no frequency). This variant has not been reported in the literature in individuals affected with BRCA2-related conditions. ClinVar contains an entry for this variant (Variation ID: 1503980). Advanced modeling of protein sequence and biophysical properties (such as structural, functional, and spatial information, amino acid conservation, physicochemical variation, residue mobility, and thermodynamic stability) performed at Invitae indicates that this missense variant is not expected to disrupt BRCA2 protein function with a negative predictive value of 95%. In summary, the available evidence is currently insufficient to determine the role of this variant in disease. Therefore, it has been classified as a Variant of Uncertain Significance.

Literature cited by the submitters: PubMed 39779848 (cited by Color Diagnostics, LLC DBA Color Health); PubMed 39779857 (cited by Color Diagnostics, LLC DBA Color Health).

NM_000059.4(BRCA2):c.8594T>C (p.Leu2865Ser)

Gene: BRCA2 (BRCA2 DNA repair associated; plus strand). Cytogenetic location: 13q13.1.
Variant type: single nucleotide variant.
Coding change: c.8594T>C on transcript NM_000059.4 (MANE Select); coding-DNA position 8594, T replaced by C.
Protein change: p.Leu2865Ser; replaces leucine 2865 with serine.
Molecular consequence: missense variant.
Genome position (GRCh38, 1-based): chr13:32,371,062, T>C. VCF-style: chr13-32371062-T-C. GRCh37 (hg19) VCF-style: chr13-32945199-T-C.
Other names: c.8594T>C (NM_000059.3); short protein forms L2865S.
Identifiers: ClinVar variation 1503980 (VCV001503980.10), dbSNP rs80359118, ClinGen allele CA387752864.